The following is an entry in ClinVar:

ClinVar aggregate classification (germline): Uncertain significance (1 of 4 stars; one submission).

Conditions:
Hereditary cancer-predisposing syndrome. Also called: Neoplastic Syndromes, Hereditary; Tumor predisposition; Hereditary Cancer Syndrome; Hereditary neoplastic syndrome. Identifiers: Orphanet 140162, MedGen C0027672, MeSH D009386, MONDO:0015356.

gnomAD v4.1: 1 of 1,574,072 alleles (0.000064%); highest among the groups gnomAD compares: East Asian, 0.0022%; no homozygotes.

Submission:

Ambry Genetics
Classification: Uncertain significance for Hereditary cancer-predisposing syndrome. Last evaluated: 2015-09-17. Review status: criteria provided, single submitter. Criteria: Ambry Variant Classification Scheme 2023. Collection method: clinical testing. Allele origin: germline.
Comment: The p.P246R variant (also known as c.737C>G), located in coding exon 4 of the BARD1 gene, results from a C to G substitution at nucleotide position 737. The proline at codon 246 is replaced by arginine, an amino acid with dissimilar properties. This variant was not reported in population based cohorts in the following databases: Database of Single Nucleotide Polymorphisms (dbSNP), NHLBI Exome Sequencing Project (ESP), and 1000 Genomes Project. In the ESP, this variant was not observed in 6502 samples (13004 alleles) with coverage at this position. To date, this alteration has been detected with an allele frequency of approximately 0.002% (greater than 65000 alleles tested) in our clinical cohort. This amino acid position is not well conserved in available vertebrate species. In addition, this alteration is predicted to be tolerated by in silico analysis. Since supporting evidence is limited at this time, the clinical significance of p.P246R remains unclear.

NM_000465.4(BARD1):c.737C>G (p.Pro246Arg)

Gene: BARD1 (BRCA1 associated RING domain 1; minus strand). Cytogenetic location: 2q35.
Variant type: single nucleotide variant.
Coding change: c.737C>G on transcript NM_000465.4 (MANE Select); coding-DNA position 737, C replaced by G.
Protein change: p.Pro246Arg; replaces proline 246 with arginine.
Molecular consequence: missense variant. On other transcripts: non-coding transcript variant (2), intron variant (3).
Genome position (GRCh38, 1-based): chr2:214,781,137, G>C on the plus strand (C>G on the coding strand, the complement: BARD1 is on the minus strand). VCF-style: chr2-214781137-G-C. GRCh37 (hg19) VCF-style: chr2-215645861-G-C.
Other names: c.680C>G, p.Pro227Arg (NM_001282543.2); c.158+28275C>G (NM_001282548.2); c.215+15924C>G (NM_001282545.2); c.364+11160C>G (NM_001282549.2); short protein forms P246R, P227R.
Identifiers: ClinVar variation 233909 (VCV000233909.5), dbSNP rs151325889, ClinGen allele CA10577835.